The following is an entry in ClinVar:

ClinVar aggregate classification (germline): Uncertain significance (1 of 4 stars; one submission).

Submission:

Ambry Genetics
Classification: Uncertain significance. Last evaluated: 2024-11-17. Review status: criteria provided, single submitter. Criteria: Ambry Variant Classification Scheme 2023. Collection method: clinical testing. Allele origin: germline.
Comment: The p.L1070I variant (also known as c.3208C>A), located in coding exon 18 of the PALLD gene, results from a C to A substitution at nucleotide position 3208. The leucine at codon 1070 is replaced by isoleucine, an amino acid with highly similar properties. This amino acid position is conserved. In addition, this alteration is predicted to be tolerated by in silico analysis. Based on the available evidence, the clinical significance of this variant remains unclear.

NM_001166108.2(PALLD):c.3259C>A (p.Leu1087Ile)

Genes: CBR4 (carbonyl reductase 4; minus strand), PALLD (palladin, cytoskeletal associated protein; plus strand). Cytogenetic location: 4q32.3.
Variant type: single nucleotide variant.
Coding change: c.3259C>A on transcript NM_001166108.2 (MANE Select); coding-DNA position 3259, C replaced by A.
Protein change: p.Leu1087Ile; replaces leucine 1087 with isoleucine.
Molecular consequence: missense variant.
Genome position (GRCh38, 1-based): chr4:168,924,979, C>A. VCF-style: chr4-168924979-C-A. GRCh37 (hg19) VCF-style: chr4-169846130-C-A.
Other names: c.2062C>A, p.Leu688Ile (NM_001166109.2); c.1747C>A, p.Leu583Ile (NM_001166110.2); c.1087C>A, p.Leu363Ile (NM_001367567.1, NM_001367569.1); c.1138C>A, p.Leu380Ile (NM_001367568.1, NM_001367570.1); c.3208C>A, p.Leu1070Ile (NM_016081.4); short protein forms L1087I, L380I, L688I, L1070I, L363I, L583I.
Identifiers: ClinVar variation 3413671 (VCV003413671.1).